The following is an entry in ClinVar:

NM_018249.6(CDK5RAP2):c.2482A>G (p.Lys828Glu)

Gene: CDK5RAP2 (CDK5 regulatory subunit associated protein 2; minus strand). Cytogenetic location: 9q33.2.
Variant type: single nucleotide variant.
Coding change: c.2482A>G on transcript NM_018249.6 (MANE Select); coding-DNA position 2482, A replaced by G.
Protein change: p.Lys828Glu; replaces lysine 828 with glutamic acid.
Molecular consequence: missense variant. On other transcripts: non-coding transcript variant (5), intron variant (1).
Genome position (GRCh38, 1-based): chr9:120,453,767, T>C on the plus strand (A>G on the coding strand, the complement: CDK5RAP2 is on the minus strand). VCF-style: chr9-120453767-T-C. GRCh37 (hg19) VCF-style: chr9-123216045-T-C.
Other names: c.2482A>G, p.Lys828Glu (NM_001011649.3); c.2104-5641A>G (NM_001272039.2); short protein forms K828E.
Identifiers: ClinVar variation 432919 (VCV000432919.12), dbSNP rs549081765, ClinGen allele CA5214056.
Genomic context (GRCh38, chr9:120,453,767, plus strand): 5'-CATCATGTGGCTTGGAAAATGAGTTGGTTTGGACAAAATGTACAAGTTCACCTTTTTGCT[T>C]AGGTGTCTTCTCAGTTTTACCATCAAGGTGTTCTCCAGAAACTTCCTGCTCTGTCAAGAA-3'
Protein context (NP_060719.4, residues 818-838): HLDGKTEKTP[Lys828Glu]QKGELVHFVQ

ClinVar aggregate classification (germline): Conflicting classifications of pathogenicity. Review status: criteria provided, conflicting classifications (1 of 4 stars). 4 submissions from 4 submitters: Uncertain significance (3); Likely benign (1). Last evaluated 2024-09-30.

Allele frequency attached by ClinVar (database versions not stated): TOPMed 0.00007; gnomAD 0.00009 and 0.00010; gnomAD exomes 0.00009 and 0.00020; ExAC 0.00019; 1000 Genomes Project 30x 0.00031; 1000 Genomes Project 0.00040.
gnomAD v4.1: 150 of 1,614,228 alleles (0.0093%); highest among the groups gnomAD compares: Middle Eastern, 0.15%; no homozygotes.

Submissions (4):

Blueprint Genetics
Classification: Uncertain significance. Last evaluated: 2024-09-30. Review status: criteria provided, single submitter. Criteria: ACMG Guidelines, 2015. Collection method: clinical testing. Allele origin: germline.

Labcorp Genetics (formerly Invitae), Labcorp
Classification: Uncertain significance. Last evaluated: 2023-05-22. Review status: criteria provided, single submitter. Criteria: Invitae Variant Classification Sherloc (09022015). Collection method: clinical testing. Allele origin: germline.
Comment: In summary, the available evidence is currently insufficient to determine the role of this variant in disease. Therefore, it has been classified as a Variant of Uncertain Significance. Algorithms developed to predict the effect of missense changes on protein structure and function output the following: SIFT: "Not Available"; PolyPhen-2: "Benign"; Align-GVGD: "Not Available". The glutamic acid amino acid residue is found in multiple mammalian species, which suggests that this missense change does not adversely affect protein function. ClinVar contains an entry for this variant (Variation ID: 432919). This variant has not been reported in the literature in individuals affected with CDK5RAP2-related conditions. This variant is present in population databases (rs549081765, gnomAD 0.06%). This sequence change replaces lysine, which is basic and polar, with glutamic acid, which is acidic and polar, at codon 828 of the CDK5RAP2 protein (p.Lys828Glu).

GeneDx
Classification: Uncertain significance. Last evaluated: 2022-11-11. Review status: criteria provided, single submitter. Criteria: GeneDx Variant Classification Process June 2021. Collection method: clinical testing. Allele origin: germline. Affected: yes.
Comment: In silico analysis supports that this missense variant does not alter protein structure/function; Observed in a patient with sporadic Hirschsprung disease in published literature (Villalba-Benito et al., 2017); This variant is associated with the following publications: (PMID: 28740121)

Genetic Services Laboratory, University of Chicago
Classification: Likely benign. Last evaluated: 2015-11-04. Review status: criteria provided, single submitter. Criteria: ACMG Guidelines, 2015. Collection method: clinical testing. Allele origin: germline. Affected: no.